The following is an entry in ClinVar:

ClinVar aggregate classification (germline): Uncertain significance (1 of 4 stars; one submission).

Conditions:
Familial adenomatous polyposis 1 (FAP1). Also called: POLYPOSIS, ADENOMATOUS INTESTINAL; FAMILIAL ADENOMATOUS POLYPOSIS 1, ATTENUATED. Identifiers: MedGen C2713442, MONDO:0021056, OMIM 175100. Disease mechanism: loss of function.

Submission:

Labcorp Genetics (formerly Invitae), Labcorp
Classification: Uncertain significance for Familial adenomatous polyposis 1. Last evaluated: 2024-06-25. Review status: criteria provided, single submitter. Criteria: Invitae Variant Classification Sherloc (09022015). Collection method: clinical testing. Allele origin: germline.
Comment: This sequence change replaces histidine, which is basic and polar, with proline, which is neutral and non-polar, at codon 298 of the APC protein (p.His298Pro). This variant is not present in population databases (gnomAD no frequency). This variant has not been reported in the literature in individuals affected with APC-related conditions. Advanced modeling of protein sequence and biophysical properties (such as structural, functional, and spatial information, amino acid conservation, physicochemical variation, residue mobility, and thermodynamic stability) performed at Invitae indicates that this missense variant is not expected to disrupt APC protein function with a negative predictive value of 95%. In summary, the available evidence is currently insufficient to determine the role of this variant in disease. Therefore, it has been classified as a Variant of Uncertain Significance.

NM_000038.6(APC):c.893A>C (p.His298Pro)

Gene: APC (APC regulator of Wnt signaling pathway; plus strand). Cytogenetic location: 5q22.2.
Variant type: single nucleotide variant.
Coding change: c.893A>C on transcript NM_000038.6 (MANE Select); coding-DNA position 893, A replaced by C.
Protein change: p.His298Pro; replaces histidine 298 with proline.
Molecular consequence: missense variant. On other transcripts: non-coding transcript variant (2).
Genome position (GRCh38, 1-based): chr5:112,815,553, A>C. VCF-style: chr5-112815553-A-C. GRCh37 (hg19) VCF-style: chr5-112151250-A-C.
Other names: c.893A>C, p.His298Pro (NM_001127510.3, NM_001354895.2, NM_001354896.2 and 12 more transcripts); c.839A>C, p.His280Pro (NM_001127511.3); c.923A>C, p.His308Pro (NM_001354897.2, NM_001354902.2, NM_001407446.1); c.818A>C, p.His273Pro (NM_001354898.2, NM_001354904.2, NM_001407451.1); c.809A>C, p.His270Pro (NM_001354899.2, NM_001407452.1, NM_001407467.1 and 1 more transcripts); c.716A>C, p.His239Pro (NM_001354900.2, NM_001354901.2, NM_001354905.2 and 1 more transcripts); c.44A>C, p.His15Pro (NM_001354906.2, NM_001407470.1, NM_001407471.1 and 1 more transcripts); short protein forms H270P, H273P, H298P, H15P, H308P, H239P, H280P.
Identifiers: ClinVar variation 3681769 (VCV003681769.2).